The following is an entry in ClinVar:

NM_001267550.2(TTN):c.88721G>A (p.Arg29574His)

Genes: TTN-AS1 (TTN antisense RNA 1; plus strand), TTN (titin; minus strand). Cytogenetic location: 2q31.2.
Variant type: single nucleotide variant.
Coding change: c.88721G>A on transcript NM_001267550.2 (MANE Select); coding-DNA position 88721, G replaced by A.
Protein change: p.Arg29574His; replaces arginine 29574 with histidine.
Molecular consequence: missense variant.
Genome position (GRCh38, 1-based): chr2:178,554,626, C>T on the plus strand (G>A on the coding strand, the complement: TTN is on the minus strand). VCF-style: chr2-178554626-C-T. GRCh37 (hg19) VCF-style: chr2-179419353-C-T.
Other names: p.R27933H:CGT>CAT; p.Arg27933His; c.83798G>A, p.Arg27933His (NM_001256850.1); c.81017G>A, p.Arg27006His (NM_133378.4); c.61526G>A, p.Arg20509His (NM_003319.4); c.61901G>A, p.Arg20634His (NM_133432.3); c.62102G>A, p.Arg20701His (NM_133437.4); short protein forms R29574H, R27006H, R27933H, R20634H, R20509H, R20701H.
Identifiers: ClinVar variation 47483 (VCV000047483.74), dbSNP rs111727915, ClinGen allele CA141150.

ClinVar aggregate classification (germline): Conflicting classifications of pathogenicity. Review status: criteria provided, conflicting classifications (1 of 4 stars). 17 submissions from 13 submitters: Uncertain significance (6); Benign (4); Likely benign (6). 1 of the submissions does not count toward it. Last evaluated 2026-06-01.

Conditions:
TTN-related disorder. Also called: TTN-related condition; TTN-related disease; TTN-related disorders.
Cardiovascular phenotype. Identifiers: MedGen CN230736.
Dilated cardiomyopathy 1G (CMD1G). Identifiers: Orphanet 154, MedGen C1858763, MONDO:0011400, OMIM 604145.
Autosomal recessive limb-girdle muscular dystrophy type 2J (LGMDR10). Also called: Limb-girdle muscular dystrophy, type 2J; MUSCULAR DYSTROPHY, LIMB-GIRDLE, AUTOSOMAL RECESSIVE 10. Identifiers: Orphanet 140922, MedGen C1837342, MONDO:0012127, OMIM 608807.
Cardiomyopathy (CMYO). Also called: Cardiomyopathies. Identifiers: Orphanet 167848, MedGen C0878544, MONDO:0004994, HP:0001638. Inheritance: Various modes of inheritance.
Early-onset myopathy with fatal cardiomyopathy (CMYO5). Also called: Salih Myopathy; CONGENITAL MYOPATHY 5 WITH CARDIOMYOPATHY. Identifiers: Orphanet 289377, MedGen C2673677, MONDO:0012714, OMIM 611705. Disease mechanism: loss of function.
Myopathy, myofibrillar, 9, with early respiratory failure (MFM9). Also called: Hereditary myopathy with early respiratory failure; Myopathy, distal, with early respiratory failure, autosomal dominant; EDSTROM MYOPATHY; MYOPATHY, PROXIMAL, WITH EARLY RESPIRATORY MUSCLE INVOLVEMENT. Identifiers: Orphanet 178464, Orphanet 34521, MedGen C1863599, MONDO:0011362, OMIM 603689.
Tibial muscular dystrophy (TMD). Also called: Udd Distal Myopathy – Tibial Muscular Dystrophy; Tibial muscular dystrophy, tardive; UDD MYOPATHY. Identifiers: Orphanet 609, MedGen C1838244, MONDO:0010870, OMIM 600334.

Allele frequency attached by ClinVar (database versions not stated): gnomAD exomes 0.00024 and 0.00049; ExAC 0.00041; ESP Exome Variant Server 0.00072; gnomAD 0.00088 and 0.00096; 1000 Genomes Project 0.00100; 1000 Genomes Project 30x 0.00109; TOPMed 0.00128.

Submissions (17):

CeGaT Center for Human Genetics Tuebingen
Classification: Uncertain significance. Last evaluated: 2026-06-01. Review status: criteria provided, single submitter. Criteria: CeGaT Center For Human Genetics Tuebingen Variant Classification Criteria Version 2. Collection method: clinical testing. Allele origin: germline. Affected: yes. Observed: 4 variant alleles.

Labcorp Genetics (formerly Invitae), Labcorp
Classification: Likely benign for Dilated cardiomyopathy 1G; Autosomal recessive limb-girdle muscular dystrophy type 2J. Last evaluated: 2026-02-03. Review status: criteria provided, single submitter. Criteria: Invitae Variant Classification Sherloc (09022015). Collection method: clinical testing. Allele origin: germline.

Mayo Clinic Laboratories, Mayo Clinic
Classification: Likely benign. Last evaluated: 2025-05-02. Review status: criteria provided, single submitter. Criteria: ACMG Guidelines, 2015. Collection method: clinical testing. Allele origin: germline. Observed: 6 variant alleles.
Comment: BS1

Molecular Diagnostic Laboratory for Inherited Cardiovascular Disease, Montreal Heart Institute
Classification: Likely benign. Last evaluated: 2025-04-09. Review status: criteria provided, single submitter. Criteria: ACMG Guidelines, 2015. Collection method: clinical testing. Allele origin: germline. Affected: no.

Blueprint Genetics
Classification: Likely benign. Last evaluated: 2024-11-01. Review status: criteria provided, single submitter. Criteria: ACMG Guidelines, 2015. Collection method: clinical testing. Allele origin: germline.

GeneDx
Classification: Likely benign. Last evaluated: 2020-11-27. Review status: criteria provided, single submitter. Criteria: GeneDx Variant Classification Process June 2021. Collection method: clinical testing. Allele origin: germline. Affected: yes.
Comment: This variant is associated with the following publications: (PMID: 27930701, 24503780)

Women's Health and Genetics/Laboratory Corporation of America, LabCorp
Classification: Benign. Last evaluated: 2020-09-25. Review status: criteria provided, single submitter. Criteria: LabCorp Variant Classification Summary - May 2015. Collection method: clinical testing. Allele origin: germline.
Comment: Variant summary: TTN c.81017G>A (p.Arg27006His) results in a non-conservative amino acid change located in the A-band region of the encoded protein sequence. Four of five in-silico tools predict a damaging effect of the variant on protein function. The variant allele was found at a frequency of 0.00049 in 248686 control chromosomes, predominantly at a frequency of 0.0016 within the African or African-American subpopulation in the gnomAD database. The observed variant frequency within African or African-American control individuals in the gnomAD database is approximately 4-fold of the estimated maximal expected allele frequency for a pathogenic variant in TTN causing Dilated Cardiomyopathy phenotype (0.00039), strongly suggesting that the variant is a benign polymorphism found primarily in populations of African or African-American origin. c.81017G>A has been reported in the literature in individuals affected with Dilated Cardiomyopathy and Sudden Unexplained Death (e.g. Pugh_2014, Campuzano_2015, Sanchez_2016, Franaszczyk_2017). These reports do not provide unequivocal conclusions about association of the variant with Dilated Cardiomyopathy. To our knowledge, no experimental evidence demonstrating an impact on protein function has been reported. Four ClinVar submitters (evaluation after 2014) cite the variant as benign/likely benign and 4 ClinVar submitters (evaluation after 2014) cite it as uncertain significance. Based on the evidence outlined above, the variant was classified as benign.

Ambry Genetics
Classification: Likely benign for Cardiovascular phenotype. Last evaluated: 2018-08-01. Review status: criteria provided, single submitter. Criteria: Ambry Variant Classification Scheme 2023. Collection method: clinical testing. Allele origin: germline.

Illumina Laboratory Services, Illumina
Classification: Uncertain significance for Early-onset myopathy with fatal cardiomyopathy. Last evaluated: 2018-01-13. Review status: criteria provided, single submitter. Criteria: ICSL Variant Classification Criteria 13 December 2019. Collection method: clinical testing. Allele origin: germline.

Illumina Laboratory Services, Illumina
Classification: Benign for Myopathy, myofibrillar, 9, with early respiratory failure. Last evaluated: 2018-01-13. Review status: criteria provided, single submitter. Criteria: ICSL Variant Classification Criteria 13 December 2019. Collection method: clinical testing. Allele origin: germline.
Comment: This variant was observed in the ICSL laboratory as part of a predisposition screen in an ostensibly healthy population. It had not been previously curated by ICSL or reported in the Human Gene Mutation Database (HGMD: prior to June 1st, 2018), and was therefore a candidate for classification through an automated scoring system. Utilizing variant allele frequency, disease prevalence and penetrance estimates, and inheritance mode, an automated score was calculated to assess if this variant is too frequent to cause the disease. Based on the score and internal cut-off values, a variant classified as benign is not then subjected to further curation. The score for this variant resulted in a classification of benign for this disease.

Illumina Laboratory Services, Illumina
Classification: Uncertain significance for Dilated cardiomyopathy 1G. Last evaluated: 2018-01-13. Review status: criteria provided, single submitter. Criteria: ICSL Variant Classification Criteria 13 December 2019. Collection method: clinical testing. Allele origin: germline.

Illumina Laboratory Services, Illumina
Classification: Benign for Tibial muscular dystrophy. Last evaluated: 2018-01-13. Review status: criteria provided, single submitter. Criteria: ICSL Variant Classification Criteria 13 December 2019. Collection method: clinical testing. Allele origin: germline.
Comment: the same text as in the submission from Illumina Laboratory Services, Illumina above.

Illumina Laboratory Services, Illumina
Classification: Uncertain significance for Autosomal recessive limb-girdle muscular dystrophy type 2J. Last evaluated: 2018-01-13. Review status: criteria provided, single submitter. Criteria: ICSL Variant Classification Criteria 13 December 2019. Collection method: clinical testing. Allele origin: germline.

CHEO Genetics Diagnostic Laboratory, Children's Hospital of Eastern Ontario
Classification: Benign for Cardiomyopathy. Last evaluated: 2018-01-02. Review status: criteria provided, single submitter. Criteria: ACMG Guidelines, 2015. Collection method: clinical testing. Allele origin: germline.

Eurofins Ntd Llc (ga)
Classification: Uncertain significance. Last evaluated: 2015-07-21. Review status: criteria provided, single submitter. Criteria: EGL Classification Definitions 2015. Collection method: clinical testing. Allele origin: germline. Observed: 1 variant allele, 1 heterozygote.

Laboratory for Molecular Medicine, Mass General Brigham Personalized Medicine
Classification: Uncertain significance. Last evaluated: 2015-04-18. Review status: criteria provided, single submitter. Criteria: LMM Criteria. Collection method: clinical testing. Allele origin: germline. Observed: 3 variant alleles.
Comment: Variant classified as Uncertain Significance - Favor Benign. This variant has also been identified in 0.16% (16/9802) of African chromosomes by the Exome Aggregation Consortium (ExAC; dbSNP rs111727915). Computational prediction tools and conservation analysis suggest that this variant may impact the protein, thou gh this information is not predictive enough to determine pathogenicity. In summ ary, while the clinical significance of the p.Arg27006His variant is uncertain, its frequency suggests that it is more likely to be benign.

PreventionGenetics, part of Exact Sciences
Classification: Likely benign for TTN-related condition. Last evaluated: 2021-04-29. Review status: no assertion criteria provided. Collection method: clinical testing. Allele origin: germline. Not counted in ClinVar's aggregate classification.
Comment: This variant is classified as likely benign based on ACMG/AMP sequence variant interpretation guidelines (Richards et al. 2015 PMID: 25741868, with internal and published modifications).

Literature cited by the submitters: PubMed 24503780 (cited by Women's Health and Genetics/Laboratory Corporation of America, LabCorp); PubMed 27930701 (cited by Women's Health and Genetics/Laboratory Corporation of America, LabCorp); PubMed 26516846 (cited by Women's Health and Genetics/Laboratory Corporation of America, LabCorp); PubMed 28045975 (cited by Women's Health and Genetics/Laboratory Corporation of America, LabCorp).